The following is an entry in ClinVar:

NM_130899.3(GARIN3):c.1616G>A (p.Arg539Lys)

Gene: GARIN3 (golgi associated RAB2 interactor family member 3; minus strand). Cytogenetic location: 5q33.3.
Variant type: single nucleotide variant.
Coding change: c.1616G>A on transcript NM_130899.3 (MANE Select); coding-DNA position 1616, G replaced by A.
Protein change: p.Arg539Lys; replaces arginine 539 with lysine.
Molecular consequence: missense variant.
Genome position (GRCh38, 1-based): chr5:157,162,649, C>T on the plus strand (G>A on the coding strand, the complement: GARIN3 is on the minus strand). VCF-style: chr5-157162649-C-T. GRCh37 (hg19) VCF-style: chr5-156589660-C-T.
Other names: short protein forms R539K.
Identifiers: ClinVar variation 2655990 (VCV002655990.24), dbSNP rs147753755, ClinGen allele CA3532193.

ClinVar aggregate classification (germline): Likely benign (1 of 4 stars; one submission).

Allele frequency attached by ClinVar (database versions not stated): 1000 Genomes Project 0.00060; 1000 Genomes Project 30x 0.00094; ESP Exome Variant Server 0.00246; gnomAD 0.00279; TOPMed 0.00294; ExAC 0.00315.
gnomAD v4.1: 5,057 of 1,614,138 alleles (0.31%); highest among the groups gnomAD compares: Middle Eastern, 2.3%; 21 homozygotes.

Submission:

CeGaT Center for Human Genetics Tuebingen
Classification: Likely benign. Last evaluated: 2025-09-01. Review status: criteria provided, single submitter. Criteria: CeGaT Center For Human Genetics Tuebingen Variant Classification Criteria Version 2. Collection method: clinical testing. Allele origin: germline. Affected: yes. Observed: 4 variant alleles.
Comment: GARIN3: BP4, BS2